The following is an entry in ClinVar:

ClinVar aggregate classification (germline): Uncertain significance. Review status: criteria provided, multiple submitters, no conflicts (2 of 4 stars). 3 submissions from 3 submitters: Uncertain significance (3). Last evaluated 2025-10-29.

Conditions:
Combined oxidative phosphorylation defect type 27. Also called: Combined oxidative phosphorylation deficiency 27. Identifiers: Orphanet 477774, MedGen C5567608, MONDO:0014728, OMIM 616672.
Inborn genetic diseases. Identifiers: MedGen C0950123, MeSH D030342.

Allele frequency attached by ClinVar (database versions not stated): 1000 Genomes Project 30x 0.00016; 1000 Genomes Project 0.00020; gnomAD 0.00002 and 0.00001; TOPMed 0.00002.
gnomAD v4.1: 6 of 1,500,078 alleles (0.0004%); highest among the groups gnomAD compares: East Asian, 0.016%; no homozygotes.

Submissions (3):

Ambry Genetics
Classification: Uncertain significance for Inborn genetic diseases. Last evaluated: 2025-10-29. Review status: criteria provided, single submitter. Criteria: Ambry Variant Classification Scheme 2023. Collection method: clinical testing. Allele origin: germline.

Labcorp Genetics (formerly Invitae), Labcorp
Classification: Uncertain significance for Combined oxidative phosphorylation defect type 27. Last evaluated: 2025-01-13. Review status: criteria provided, single submitter. Criteria: Invitae Variant Classification Sherloc (09022015). Collection method: clinical testing. Allele origin: germline.
Comment: This sequence change replaces alanine, which is neutral and non-polar, with glycine, which is neutral and non-polar, at codon 34 of the CARS2 protein (p.Ala34Gly). This variant is not present in population databases (gnomAD no frequency). This variant has not been reported in the literature in individuals affected with CARS2-related conditions. ClinVar contains an entry for this variant (Variation ID: 475611). An algorithm developed to predict the effect of missense changes on protein structure and function (PolyPhen-2) suggests that this variant is likely to be disruptive. In summary, the available evidence is currently insufficient to determine the role of this variant in disease. Therefore, it has been classified as a Variant of Uncertain Significance.

GeneDx
Classification: Uncertain significance. Last evaluated: 2024-10-10. Review status: criteria provided, single submitter. Criteria: GeneDx Variant Classification Process June 2021. Collection method: clinical testing. Allele origin: germline. Affected: yes.
Comment: Not observed at significant frequency in large population cohorts (gnomAD); In silico analysis indicates that this missense variant does not alter protein structure/function; Has not been previously published as pathogenic or benign to our knowledge

NM_024537.4(CARS2):c.101C>G (p.Ala34Gly)

Genes: CARS2 (cysteinyl-tRNA synthetase 2, mitochondrial; minus strand), LOC130010127 (ATAC-STARR-seq lymphoblastoid silent region 5509; plus strand). Cytogenetic location: 13q34.
Variant type: single nucleotide variant.
Coding change: c.101C>G on transcript NM_024537.4 (MANE Select); coding-DNA position 101, C replaced by G.
Protein change: p.Ala34Gly; replaces alanine 34 with glycine.
Molecular consequence: missense variant. On other transcripts: non-coding transcript variant (1), intron variant (1).
Genome position (GRCh38, 1-based): chr13:110,705,993, G>C on the plus strand (C>G on the coding strand, the complement: CARS2 is on the minus strand). VCF-style: chr13-110705993-G-C. GRCh37 (hg19) VCF-style: chr13-111358340-G-C.
Other names: c.101C>G, p.Ala34Gly (NM_001352253.3); c.-776+378C>G (NM_001352252.2); c.101C>G (NM_024537.2); short protein forms A34G.
Identifiers: ClinVar variation 475611 (VCV000475611.8), dbSNP rs567317952, ClinGen allele CA256331098.